The following is an entry in ClinVar:

NM_016383.5(LUZP4):c.625GAGAGATCTCATGGTCACTCA[2] (p.202ERSHGHS[3])

Gene: LUZP4 (leucine zipper protein 4; plus strand). Cytogenetic location: Xq23.
Variant type: Microsatellite.
Coding change: c.625GAGAGATCTCATGGTCACTCA[2] on transcript NM_016383.5 (MANE Select); two copies in a row of the 21-base unit GAGAGATCTCATGGTCACTCA starting at c.625; the reference has three copies in a row; one copy, 21 bases deleted.
Protein change: p.202ERSHGHS[3].
Genome position (GRCh38, 1-based): chrX:115,306,529-115,306,549, GAGAGATCTCATGGTCACTCA deleted; deleting any 21 consecutive bases within chrX:115,306,481-115,306,549 gives the same sequence; the position shown is the placement nearest the transcript's 3' end. VCF-style (leftmost placement, unchanged base first): chrX-115306480-CCACTCAGAGAGATCTCATGGT-C. GRCh37 (hg19) VCF-style: chrX-114541045-CCACTCAGAGAGATCTCATGGT-C.
Other names: c.379GAGAGATCTCATGGTCACTCA[2], p.120ERSHGHS[3] (NM_001318840.2).
Identifiers: ClinVar variation 3049401 (VCV003049401.2), dbSNP rs782177187, ClinGen allele CA10496726.
Genomic context (GRCh38, chrX:115,306,480, plus strand): 5'-ATATGAGAGATCTCATGGCCAATACAAGAGATCTCATGGTCAATCTGAGAGATCTCATGG[CCACTCAGAGAGATCTCATGGT>C]CACTCAGAGAGATCTCATGGTCACTCAGAGAGATCTCATGGTCACTCAAAGAGATCTCGT-3'

ClinVar aggregate classification (germline): Likely benign (0 of 4 stars; one submission).

Conditions:
LUZP4-related disorder. Also called: LUZP4-related condition.

Submission:

PreventionGenetics, part of Exact Sciences
Classification: Likely benign for LUZP4-related condition. Last evaluated: 2021-04-26. Review status: no assertion criteria provided. Collection method: clinical testing. Allele origin: germline.
Comment: This variant is classified as likely benign based on ACMG/AMP sequence variant interpretation guidelines (Richards et al. 2015 PMID: 25741868, with internal and published modifications).